The following is an entry in ClinVar:

NM_004204.5(PIGQ):c.*508C>T

Gene: PIGQ (phosphatidylinositol glycan anchor biosynthesis class Q; plus strand). Cytogenetic location: 16p13.3.
Variant type: single nucleotide variant.
Coding change: c.*508C>T on transcript NM_004204.5 (MANE Select); 508 bases downstream of the stop codon, C replaced by T.
Molecular consequence: 3 prime UTR variant. On other transcripts: missense variant (1).
Genome position (GRCh38, 1-based): chr16:583,543, C>T. VCF-style: chr16-583543-C-T. GRCh37 (hg19) VCF-style: chr16-633543-C-T.
Other names: c.2192C>T, p.Ser731Leu (NM_148920.4); short protein forms S731L.
Identifiers: ClinVar variation 2211065 (VCV002211065.3), dbSNP rs773722943, ClinGen allele CA7780635.

ClinVar aggregate classification (germline): Conflicting classifications of pathogenicity. Review status: criteria provided, conflicting classifications (1 of 4 stars). 2 submissions from 2 submitters: Uncertain significance (1); Likely benign (1). Last evaluated 2024-07-28.

Conditions:
Inborn genetic diseases. Identifiers: MedGen C0950123, MeSH D030342.

Allele frequency attached by ClinVar (database versions not stated): ExAC 0.00001; gnomAD 0.00001; gnomAD exomes 0.00001; TOPMed 0.00001.

Submissions (2):

GeneDx
Classification: Uncertain significance. Last evaluated: 2024-07-28. Review status: criteria provided, single submitter. Criteria: GeneDx Variant Classification Process June 2021. Collection method: clinical testing. Allele origin: germline. Affected: yes.
Comment: In silico analysis indicates that this missense variant does not alter protein structure/function; Has not been previously published as pathogenic or benign to our knowledge; Reported using an alternate transcript of the gene

Ambry Genetics
Classification: Likely benign for Inborn genetic diseases. Last evaluated: 2021-12-21. Review status: criteria provided, single submitter. Criteria: Ambry Variant Classification Scheme 2023. Collection method: clinical testing. Allele origin: germline.